The following is an entry in ClinVar:

NM_018706.7(DHTKD1):c.188A>T (p.Tyr63Phe)

Gene: DHTKD1 (dehydrogenase E1 and transketolase domain containing 1; plus strand). Cytogenetic location: 10p14.
Variant type: single nucleotide variant.
Coding change: c.188A>T on transcript NM_018706.7 (MANE Select); coding-DNA position 188, A replaced by T.
Protein change: p.Tyr63Phe; replaces tyrosine 63 with phenylalanine.
Molecular consequence: missense variant.
Genome position (GRCh38, 1-based): chr10:12,081,505, A>T. VCF-style: chr10-12081505-A-T. GRCh37 (hg19) VCF-style: chr10-12123504-A-T.
Other names: short protein forms Y63F.
Identifiers: ClinVar variation 1494980 (VCV001494980.6), dbSNP rs768895085, ClinGen allele CA5407467.

ClinVar aggregate classification (germline): Uncertain significance (1 of 4 stars; one submission).

Conditions:
2-aminoadipic 2-oxoadipic aciduria (AAKAD). Also called: Aminoadipic aciduria; ALPHA-AMINOADIPIC AND ALPHA-KETOADIPIC ACIDURIA. Identifiers: Orphanet 79154, MedGen C1859817, MONDO:0008774, OMIM 204750.

Allele frequency attached by ClinVar (database versions not stated): gnomAD exomes below 0.00001; ExAC 0.00001.

Submission:

Labcorp Genetics (formerly Invitae), Labcorp
Classification: Uncertain significance for 2-aminoadipic 2-oxoadipic aciduria. Last evaluated: 2021-08-11. Review status: criteria provided, single submitter. Criteria: Invitae Variant Classification Sherloc (09022015). Collection method: clinical testing. Allele origin: germline.
Comment: This variant is present in population databases (rs768895085, ExAC 0.001%). This sequence change replaces tyrosine with phenylalanine at codon 63 of the DHTKD1 protein (p.Tyr63Phe). The tyrosine residue is highly conserved and there is a small physicochemical difference between tyrosine and phenylalanine. This variant has not been reported in the literature in individuals affected with DHTKD1-related conditions. Algorithms developed to predict the effect of missense changes on protein structure and function output the following: SIFT: "Tolerated"; PolyPhen-2: "Benign"; Align-GVGD: "Class C0". The phenylalanine amino acid residue is found in multiple mammalian species, which suggests that this missense change does not adversely affect protein function. In summary, the available evidence is currently insufficient to determine the role of this variant in disease. Therefore, it has been classified as a Variant of Uncertain Significance.